The following is an entry in ClinVar:

NM_177402.5(SYT2):c.478G>A (p.Val160Ile)

Gene: SYT2 (synaptotagmin 2; minus strand). Cytogenetic location: 1q32.1.
Variant type: single nucleotide variant.
Coding change: c.478G>A on transcript NM_177402.5 (MANE Select); coding-DNA position 478, G replaced by A.
Protein change: p.Val160Ile; replaces valine 160 with isoleucine.
Molecular consequence: missense variant.
Genome position (GRCh38, 1-based): chr1:202,602,533, C>T on the plus strand (G>A on the coding strand, the complement: SYT2 is on the minus strand). VCF-style: chr1-202602533-C-T. GRCh37 (hg19) VCF-style: chr1-202571661-C-T.
Other names: p.Val160Ile; c.478G>A, p.Val160Ile (NM_001136504.1); short protein forms V160I.
Identifiers: ClinVar variation 2078761 (VCV002078761.6), dbSNP rs149665021, ClinGen allele CA1333752.
Genomic context (GRCh38, chr1:202,602,533, plus strand): 5'-TGACATAAGGGTCTGAGGTGCCTCCCATGTCCAGGGCAGGCAGTTCAGCAGCCTGCAGAA[C>T]GCCCACAGTAAGCTGTGGAGAGAGATGGGGAGAAGGGGCCTGAGTCTCAGGACTGCTCCA-3'
Protein context (NP_796376.2, residues 150-170): DFQANQLTVG[Val160Ile]LQAAELPALD

ClinVar aggregate classification (germline): Uncertain significance. Review status: criteria provided, multiple submitters, no conflicts (2 of 4 stars). 3 submissions from 3 submitters: Uncertain significance (3). Last evaluated 2025-11-04.

Allele frequency attached by ClinVar (database versions not stated): TOPMed 0.00002; gnomAD 0.00005; ExAC 0.00008; ESP Exome Variant Server 0.00008; 1000 Genomes Project 0.00020; 1000 Genomes Project 30x 0.00031.
gnomAD v4.1: 62 of 1,612,816 alleles (0.0038%); highest among the groups gnomAD compares: East Asian, 0.0067%; no homozygotes.

Submissions (3):

Labcorp Genetics (formerly Invitae), Labcorp
Classification: Uncertain significance. Last evaluated: 2025-11-04. Review status: criteria provided, single submitter. Criteria: Invitae Variant Classification Sherloc (09022015). Collection method: clinical testing. Allele origin: germline.
Comment: This sequence change replaces valine, which is neutral and non-polar, with isoleucine, which is neutral and non-polar, at codon 160 of the SYT2 protein (p.Val160Ile). The frequency data for this variant in the population databases is considered unreliable, as metrics indicate poor data quality at this position in the gnomAD database. This variant has not been reported in the literature in individuals affected with SYT2-related conditions. ClinVar contains an entry for this variant (Variation ID: 2078761). An algorithm developed to predict the effect of missense changes on protein structure and function (PolyPhen-2) suggests that this variant is likely to be tolerated. In summary, the available evidence is currently insufficient to determine the role of this variant in disease. Therefore, it has been classified as a Variant of Uncertain Significance.

Mayo Clinic Laboratories, Mayo Clinic
Classification: Uncertain significance. Last evaluated: 2025-04-01. Review status: criteria provided, single submitter. Criteria: ACMG Guidelines, 2015. Collection method: clinical testing. Allele origin: germline. Observed: 1 variant allele.
Comment: BP4_moderate

Revvity Omics, Revvity
Classification: Uncertain significance. Last evaluated: 2024-08-26. Review status: criteria provided, single submitter. Criteria: ACMG Guidelines, 2015. Collection method: clinical testing. Allele origin: germline.